The following is an entry in ClinVar:

NM_005154.5(USP8):c.2393C>G (p.Ala798Gly)

Gene: USP8 (ubiquitin specific peptidase 8; plus strand). Cytogenetic location: 15q21.2.
Variant type: single nucleotide variant.
Coding change: c.2393C>G on transcript NM_005154.5 (MANE Select); coding-DNA position 2393, C replaced by G.
Protein change: p.Ala798Gly; replaces alanine 798 with glycine.
Molecular consequence: missense variant.
Genome position (GRCh38, 1-based): chr15:50,492,859, C>G. VCF-style: chr15-50492859-C-G. GRCh37 (hg19) VCF-style: chr15-50785056-C-G.
Other names: c.2393C>G, p.Ala798Gly (NM_001128610.3); c.2075C>G, p.Ala692Gly (NM_001283049.2); short protein forms A692G, A798G.
Identifiers: ClinVar variation 4691044 (VCV004691044.1).

ClinVar aggregate classification (germline): Uncertain significance (1 of 4 stars; one submission).

Conditions:
Hereditary spastic paraplegia. Also called: Familial spastic paraparesis. Identifiers: Orphanet 685, MedGen C0037773, MONDO:0019064. Disease mechanism: loss of function.

Submission:

Labcorp Genetics (formerly Invitae), Labcorp
Classification: Uncertain significance for Hereditary spastic paraplegia. Last evaluated: 2025-03-17. Review status: criteria provided, single submitter. Criteria: Invitae Variant Classification Sherloc (09022015). Collection method: clinical testing. Allele origin: germline.
Comment: This sequence change replaces alanine, which is neutral and non-polar, with glycine, which is neutral and non-polar, at codon 798 of the USP8 protein (p.Ala798Gly). This variant is not present in population databases (gnomAD no frequency). This variant has not been reported in the literature in individuals affected with USP8-related conditions. An algorithm developed to predict the effect of missense changes on protein structure and function (PolyPhen-2) suggests that this variant is likely to be tolerated. In summary, the available evidence is currently insufficient to determine the role of this variant in disease. Therefore, it has been classified as a Variant of Uncertain Significance.